The following is an entry in ClinVar:

ClinVar aggregate classification (germline): Pathogenic (1 of 4 stars; one submission).

Conditions:
Intellectual developmental disorder 61. Also called: MENTAL RETARDATION, AUTOSOMAL DOMINANT 61; INTELLECTUAL DEVELOPMENTAL DISORDER, AUTOSOMAL DOMINANT 61. Identifiers: MedGen C5231400, MONDO:0032485, OMIM 618009.

Submission:

Variantyx, Inc.
Classification: Pathogenic for Intellectual developmental disorder 61. Last evaluated: 2025-12-09. Review status: criteria provided, single submitter. Criteria: Variantyx Assertion Criteria 2022. Collection method: clinical testing. Allele origin: de novo. Inheritance: Autosomal dominant inheritance. Affected: yes.
Comment: This is a frameshift variant in the MED13 gene (OMIM: 603808). Pathogenic variants in this gene have been associated with autosomal dominant intellectual developmental disorder 61. The alteration introduces a premature termination codon in exon 25 out of 30 and is expected to result in loss of function, which is a known disease mechanism for MED13 in this disorder (PMID: 29740699) (PVS1). It is absent from control populations (PM2), and it has not been previously reported in individuals with MED13-related disorders in the databases available for review. Based on the current evidence, this variant is classified as pathogenic for autosomal dominant intellectual developmental disorder 61.

Literature cited by the submitters: PubMed 29740699.

NM_005121.3(MED13):c.5651del (p.Asn1884fs)

Gene: MED13 (mediator complex subunit 13; minus strand). Cytogenetic location: 17q23.2.
Variant type: Deletion.
Coding change: c.5651del on transcript NM_005121.3 (MANE Select); coding-DNA position 5651, one base deleted (A; older notation c.5651delA).
Protein change: p.Asn1884fs; shifts the reading frame from asparagine 1884.
Molecular consequence: frameshift variant.
Genome position (GRCh38, 1-based): chr17:61,955,811, T deleted on the plus strand (A on the coding strand, the reverse complement: MED13 is on the minus strand); the first of 3 consecutive T bases (chr17:61,955,811-61,955,813); deleting any one gives the same sequence. VCF-style (leftmost placement, unchanged base first): chr17-61955810-GT-G. GRCh37 (hg19) VCF-style: chr17-60033171-GT-G.
Other names: short protein forms N1884fs.
Identifiers: ClinVar variation 4850710 (VCV004850710.1).
Genomic context (GRCh38, chr17:61,955,810, plus strand): 5'-TGCAGCAGATATACCACACATTCTACACATGTCTTTGAGCCTTTTACTTAGAGACTGCAA[GT>G]TTCGACGACTCAGCAAACAGCTCCAATCTGTGGGTATCAACAGTAAAAAAAAAAAAAAAA-3'